The following is an entry in ClinVar:

NM_001348800.3(ZBTB20):c.1446C>G (p.Thr482=)

Gene: ZBTB20 (zinc finger and BTB domain containing 20; minus strand). Cytogenetic location: 3q13.31.
Variant type: single nucleotide variant.
Coding change: c.1446C>G on transcript NM_001348800.3 (MANE Select); coding-DNA position 1446, C replaced by G.
Protein change: p.Thr482=; no amino-acid change (threonine 482 retained).
Molecular consequence: synonymous variant.
Genome position (GRCh38, 1-based): chr3:114,350,632, G>C on the plus strand (C>G on the coding strand, the complement: ZBTB20 is on the minus strand). VCF-style: chr3-114350632-G-C. GRCh37 (hg19) VCF-style: chr3-114069479-G-C.
Other names: c.1446C>G, p.Thr482= (NM_001164342.2, NM_001348803.3, NM_001393393.1 and 1 more transcripts); c.1227C>G, p.Thr409= (NM_001164343.2, NM_001164344.4, NM_001164345.4 and 9 more transcripts).
Identifiers: ClinVar variation 2883003 (VCV002883003.12), dbSNP rs754743360, ClinGen allele CA2551307.

ClinVar aggregate classification (germline): Likely benign. Review status: criteria provided, multiple submitters, no conflicts (2 of 4 stars). 3 submissions from 3 submitters: Likely benign (3). Last evaluated 2025-07-01.

Allele frequency attached by ClinVar (database versions not stated): ExAC 0.00003; gnomAD 0.00004; TOPMed 0.00005.
gnomAD v4.1: 97 of 1,614,084 alleles (0.006%); highest among the groups gnomAD compares: Non-Finnish European, 0.0081%; no homozygotes.

Submissions (3):

CeGaT Center for Human Genetics Tuebingen
Classification: Likely benign. Last evaluated: 2025-07-01. Review status: criteria provided, single submitter. Criteria: CeGaT Center For Human Genetics Tuebingen Variant Classification Criteria Version 2. Collection method: clinical testing. Allele origin: germline. Affected: yes. Observed: 1 variant allele.
Comment: ZBTB20: BP4, BP7

Labcorp Genetics (formerly Invitae), Labcorp
Classification: Likely benign. Last evaluated: 2024-09-18. Review status: criteria provided, single submitter. Criteria: Invitae Variant Classification Sherloc (09022015). Collection method: clinical testing. Allele origin: germline.

Blueprint Genetics
Classification: Likely benign. Last evaluated: 2024-01-08. Review status: criteria provided, single submitter. Criteria: ACMG Guidelines, 2015. Collection method: clinical testing. Allele origin: germline.